The following is an entry in ClinVar:

NM_001323289.2(CDKL5):c.2225_2228del (p.Glu742fs)

Gene: CDKL5 (cyclin dependent kinase like 5; plus strand). Cytogenetic location: Xp22.13.
Variant type: Microsatellite.
Coding change: c.2225_2228del on transcript NM_001323289.2 (MANE Select); coding-DNA positions 2225 to 2228, 4 bases deleted (AGAG; older notation c.2225_2228delAGAG).
Protein change: p.Glu742fs; shifts the reading frame from glutamic acid 742.
Molecular consequence: frameshift variant.
Genome position (GRCh38, 1-based): chrX:18,613,224-18,613,227, AGAG deleted; deleting any 4 consecutive bases within chrX:18,613,222-18,613,227 gives the same sequence; the c. name uses the placement nearest the transcript's 3' end. VCF-style (leftmost placement, unchanged base first): chrX-18613221-CAGAG-C. GRCh37 (hg19) VCF-style: chrX-18631341-CAGAG-C.
Other names: NM_003159.3:c.2225_2228del; c.2225_2228del, p.Glu742fs (NM_001037343.2, NM_003159.3); short protein forms E742fs.
Identifiers: ClinVar variation 3343997 (VCV003343997.1).

ClinVar aggregate classification (germline): Pathogenic (1 of 4 stars; one submission).

Conditions:
CDKL5 disorder. Identifiers: MedGen CN296942, MONDO:0100039.

Submission:

Centre for Population Genomics, CPG
Classification: Pathogenic for CDKL5 disorder. Last evaluated: 2024-09-16. Review status: criteria provided, single submitter. Criteria: McKnight et al. (Hum Mutat. 2022). Collection method: curation. Allele origin: germline. Inheritance: X-linked inheritance.
Comment: This variant has been collected from RettBASE and curated to current modified ACMG/AMP criteria. Based on the classification scheme defined by the ClinGen Rett/Angelman-like Expert Panel for Rett/AS-like Disorders Specifications to the ACMG/AMP Variant Interpretation Guidelines VCEP 3.0, this variant is classified as pathogenic. At least the following criteria are met: Predicted to result in loss of function, and LOF is a known mechanism of disease (PVS1). This variant has been identified as a de novo occurrence in an individual with CDKL5 disorder without confirmation of paternity and maternity (PM6, PMID: 27599155). This variant is absent from gnomAD (PM2_Supporting).